The following is an entry in ClinVar:

ClinVar aggregate classification (germline): Uncertain significance. Review status: criteria provided, multiple submitters, no conflicts (2 of 4 stars). 2 submissions from 2 submitters: Uncertain significance (2). Last evaluated 2026-09-01.

Allele frequency attached by ClinVar (database versions not stated): ESP Exome Variant Server 0.00029; ExAC 0.00002; TOPMed 0.00006; gnomAD 0.00007; 1000 Genomes Project 30x 0.00016.
gnomAD v4.1: 105 of 1,612,540 alleles (0.0065%); highest among the groups gnomAD compares: Non-Finnish European, 0.0079%; no homozygotes.

Submissions (2):

CeGaT Center for Human Genetics Tuebingen
Classification: Uncertain significance. Last evaluated: 2026-09-01. Review status: criteria provided, single submitter. Criteria: CeGaT Center For Human Genetics Tuebingen Variant Classification Criteria Version 2. Collection method: clinical testing. Allele origin: germline. Affected: yes. Observed: 1 variant allele.
Comment: GRM1: PM2, BP4

Athena Diagnostics
Classification: Uncertain significance. Last evaluated: 2023-05-08. Review status: criteria provided, single submitter. Criteria: Athena Diagnostics Criteria. Collection method: clinical testing. Allele origin: unknown.
Comment: Available data are insufficient to determine the clinical significance of the variant at this time. The frequency of this variant in the general population is uninformative in assessment of its pathogenicity. Computational tools disagree on the variant's effect on normal protein function.

NM_001278064.2(GRM1):c.2661-7293C>T

Gene: GRM1 (glutamate metabotropic receptor 1; plus strand). Cytogenetic location: 6q24.3.
Variant type: single nucleotide variant.
Coding change: c.2661-7293C>T on transcript NM_001278064.2 (MANE Select); 7293 bases into the intron before coding-DNA position 2661, C replaced by T.
Molecular consequence: intron variant. On other transcripts: missense variant (2).
Genome position (GRCh38, 1-based): chr6:146,426,579, C>T. VCF-style: chr6-146426579-C-T. GRCh37 (hg19) VCF-style: chr6-146747715-C-T.
Other names: c.2681C>T, p.Ser894Leu (NM_001278065.2, NM_001278066.1); c.2661-7328C>T (NM_001278067.1); short protein forms S894L.
Identifiers: ClinVar variation 2684215 (VCV002684215.2), dbSNP rs372723932, ClinGen allele CA4037507.
Genomic context (GRCh38, chr6:146,426,579, plus strand): 5'-CCCCTCGCTCACTGGGTGTCTTTTTCTTTTCAATCTTCAGGAAGAGGCAGCCAGAATTCT[C>T]GCCCACCAGCCAATGTCCGTCGGCACATGTGCAGCTTTGAAAACCCCCACACTGCAGTGA-3'